The following is an entry in ClinVar:

NM_005055.5(RAPSN):c.148_149insAGATGGGCCGC (p.Val50fs)

Gene: RAPSN (receptor associated protein of the synapse; minus strand). Cytogenetic location: 11p11.2.
Variant type: Insertion.
Coding change: c.148_149insAGATGGGCCGC on transcript NM_005055.5 (MANE Select); coding-DNA positions 148 to 149, AGATGGGCCGC inserted.
Protein change: p.Val50fs; shifts the reading frame from valine 50.
Molecular consequence: frameshift variant.
Genome position: GRCh38 VCF-style: chr11-47448816-A-AGCGGCCCATCT. GRCh37 (hg19) VCF-style: chr11-47470368-A-AGCGGCCCATCT.
Other names: c.148_149insAGATGGGCCGC, p.Val50fs (NM_001440490.1, NM_001440491.1, NM_001440492.1 and 13 more transcripts); short protein forms V50fs.
Identifiers: ClinVar variation 5013296 (VCV005013296.1).

ClinVar aggregate classification (germline): Pathogenic (1 of 4 stars; one submission).

Conditions:
RAPSN-related disorder. Also called: RAPSN-related condition; RAPSN-related disorders. Identifiers: MedGen CN239397.

Submission:

Myriad Genetics, Inc.
Classification: Pathogenic for RAPSN-related disorder. Last evaluated: 2024-05-14. Review status: criteria provided, single submitter. Criteria: Myriad Autosomal Dominant, Autosomal Recessive and X-Linked Classification Criteria (2023). Collection method: clinical testing. Allele origin: unknown.
Comment: NM_005055.4(RAPSN):c.148_149ins11(V50Efs*18) is expected to be pathogenic in the context of RAPSN-related disorders. This variant is predicted to lead to an abnormal or absent protein product due to the creation of a premature termination codon in RAPSN, a gene where loss-of-function variants are known to be pathogenic. Please note: this variant was assessed in the context of healthy population screening.